The following is an entry in ClinVar:

NM_000535.7(PMS2):c.1674C>T (p.Thr558=)

Gene: PMS2 (PMS1 homolog 2, mismatch repair system component; minus strand). Cytogenetic location: 7p22.1.
Variant type: single nucleotide variant.
Coding change: c.1674C>T on transcript NM_000535.7 (MANE Select); coding-DNA position 1674, C replaced by T.
Protein change: p.Thr558=; no amino-acid change (threonine 558 retained).
Molecular consequence: synonymous variant. On other transcripts: non-coding transcript variant (1).
Genome position (GRCh38, 1-based): chr7:5,987,091, G>A on the plus strand (C>T on the coding strand, the complement: PMS2 is on the minus strand). VCF-style: chr7-5987091-G-A. GRCh37 (hg19) VCF-style: chr7-6026722-G-A.
Other names: c.1674C>T (NM_000535.6); c.1269C>T, p.Thr423= (NM_001322003.2, NM_001322004.2, NM_001322005.2 and 1 more transcripts); c.1518C>T, p.Thr506= (NM_001322006.2); c.1356C>T, p.Thr452= (NM_001322007.2, NM_001322008.2); c.1113C>T, p.Thr371= (NM_001322010.2); c.741C>T, p.Thr247= (NM_001322011.2, NM_001322012.2); c.1101C>T, p.Thr367= (NM_001322013.2); c.1674C>T, p.Thr558= (NM_001322014.2); and 1 more.
Identifiers: ClinVar variation 229672 (VCV000229672.30), dbSNP rs876658134, ClinGen allele CA10578666.

ClinVar aggregate classification (germline): Benign/Likely benign. Review status: criteria provided, multiple submitters, no conflicts (2 of 4 stars). 10 submissions from 10 submitters: Benign (2); Likely benign (8). Last evaluated 2025-10-28.

Conditions:
Hereditary nonpolyposis colorectal neoplasms. Identifiers: MedGen C0009405, MeSH D003123.
Mismatch repair cancer syndrome 4. Identifiers: MedGen C5436817, MONDO:0030843, OMIM 619101.
Lynch syndrome 4 (LYNCH4). Also called: Colorectal cancer, hereditary nonpolyposis, type 4; Hereditary non-polyposis colorectal cancer, type 4. Identifiers: Orphanet 144, MedGen C1838333, MONDO:0013699, OMIM 614337. Disease mechanism: loss of function.
Hereditary cancer-predisposing syndrome. Also called: Hereditary neoplastic syndrome; Hereditary Cancer Syndrome; Neoplastic Syndromes, Hereditary; Tumor predisposition. Identifiers: Orphanet 140162, MedGen C0027672, MeSH D009386, MONDO:0015356.
Lynch syndrome. Identifiers: Orphanet 144, MedGen C4552100, MONDO:0005835. Disease mechanism: loss of function.

Allele frequency attached by ClinVar (database versions not stated): gnomAD exomes 0.00001; TOPMed 0.00002; gnomAD 0.00001.
gnomAD v4.1: 11 of 1,613,922 alleles (0.00068%); highest among the groups gnomAD compares: Middle Eastern, 0.016%; no homozygotes.

Submissions (10):

Labcorp Genetics (formerly Invitae), Labcorp
Classification: Likely benign for Hereditary nonpolyposis colorectal neoplasms. Last evaluated: 2025-10-28. Review status: criteria provided, single submitter. Criteria: Invitae Variant Classification Sherloc (09022015). Collection method: clinical testing. Allele origin: germline.

Center for Genomic Medicine, Rigshospitalet, Copenhagen University Hospital
Classification: Likely benign. Last evaluated: 2025-03-04. Review status: criteria provided, single submitter. Criteria: ACMG Guidelines, 2015. Collection method: clinical testing. Allele origin: germline.

Myriad Genetics, Inc.
Classification: Benign for Lynch syndrome 4. Last evaluated: 2025-01-31. Review status: criteria provided, single submitter. Criteria: Myriad Autosomal Dominant, Autosomal Recessive and X-Linked Classification Criteria (2023). Collection method: clinical testing. Allele origin: unknown.
Comment: This variant is considered benign. This variant is a silent/synonymous amino acid change and it is not expected to impact splicing.

All of Us Research Program, National Institutes of Health
Classification: Likely benign for Lynch syndrome. Last evaluated: 2024-02-05. Review status: criteria provided, single submitter. Criteria: ACMG Guidelines, 2015. Collection method: clinical testing. Allele origin: germline. Inheritance: Autosomal dominant inheritance. Observed: 8 variant alleles, 8 heterozygotes.
Comment: This study involves interpretation of variants in research participants for the purpose of population health screening. Participant phenotype was not available at the time of variant classification. Additional details can be found in publication PMID: 35346344, PMCID: PMC8962531

Quest Diagnostics Nichols Institute San Juan Capistrano
Classification: Likely benign. Last evaluated: 2021-07-27. Review status: criteria provided, single submitter. Criteria: Quest Diagnostics criteria. Collection method: clinical testing. Allele origin: unknown.

Department of Pathology and Laboratory Medicine, Sinai Health System
Classification: Likely benign for Lynch syndrome 4; Mismatch repair cancer syndrome 4. Last evaluated: 2020-01-07. Review status: criteria provided, single submitter. Criteria: ACMG Guidelines, 2015. Collection method: clinical testing. Allele origin: germline. Affected: no.

Women's Health and Genetics/Laboratory Corporation of America, LabCorp
Classification: Likely benign. Last evaluated: 2019-08-29. Review status: criteria provided, single submitter. Criteria: LabCorp Variant Classification Summary - May 2015. Collection method: clinical testing. Allele origin: germline.

Color Diagnostics, LLC DBA Color Health
Classification: Likely benign for Hereditary cancer-predisposing syndrome. Last evaluated: 2015-07-17. Review status: criteria provided, single submitter. Criteria: ACMG Guidelines, 2015. Collection method: clinical testing. Allele origin: germline.

GeneDx
Classification: Benign. Last evaluated: 2015-03-03. Review status: criteria provided, single submitter. Criteria: GeneDx Variant Classification Process June 2021. Collection method: clinical testing. Allele origin: germline. Affected: yes.

Ambry Genetics
Classification: Likely benign for Hereditary cancer-predisposing syndrome. Last evaluated: 2014-11-06. Review status: criteria provided, single submitter. Criteria: Ambry Variant Classification Scheme 2023. Collection method: clinical testing. Allele origin: germline.